The following is an entry in ClinVar:

NM_015450.3(POT1):c.475A>G (p.Met159Val)

Gene: POT1 (protection of telomeres 1; minus strand). Cytogenetic location: 7q31.33.
Variant type: single nucleotide variant.
Coding change: c.475A>G on transcript NM_015450.3 (MANE Select); coding-DNA position 475, A replaced by G.
Protein change: p.Met159Val; replaces methionine 159 with valine.
Molecular consequence: missense variant. On other transcripts: non-coding transcript variant (3).
Genome position (GRCh38, 1-based): chr7:124,863,421, T>C on the plus strand (A>G on the coding strand, the complement: POT1 is on the minus strand). VCF-style: chr7-124863421-T-C. GRCh37 (hg19) VCF-style: chr7-124503475-T-C.
Other names: c.82A>G, p.Met28Val (NM_001042594.2); short protein forms M159V, M28V.
Identifiers: ClinVar variation 486143 (VCV000486143.17), dbSNP rs1449504013, ClinGen allele CA369059030.

ClinVar aggregate classification (germline): Uncertain significance. Review status: criteria provided, multiple submitters, no conflicts (2 of 4 stars). 3 submissions from 3 submitters: Uncertain significance (3). Last evaluated 2025-09-13.

Conditions:
Tumor predisposition syndrome 3 (TPDS3). Also called: Glioma susceptibility 9; LONG TELOMERE SYNDROME, POT1-RELATED; POT1 Tumor Predisposition; Melanoma, cutaneous malignant, susceptibility to, 10. Identifiers: Orphanet 618, MedGen C4014476, MONDO:0014368, OMIM 615848.
Hereditary cancer-predisposing syndrome. Also called: Hereditary neoplastic syndrome; Hereditary Cancer Syndrome; Neoplastic Syndromes, Hereditary; Tumor predisposition. Identifiers: Orphanet 140162, MedGen C0027672, MeSH D009386, MONDO:0015356.

Allele frequency attached by ClinVar (database versions not stated): gnomAD exomes below 0.00001; gnomAD 0.00001; TOPMed 0.00001.

Submissions (3):

Labcorp Genetics (formerly Invitae), Labcorp
Classification: Uncertain significance for Tumor predisposition syndrome 3. Last evaluated: 2025-09-13. Review status: criteria provided, single submitter. Criteria: Invitae Variant Classification Sherloc (09022015). Collection method: clinical testing. Allele origin: germline.
Comment: This sequence change replaces methionine, which is neutral and non-polar, with valine, which is neutral and non-polar, at codon 159 of the POT1 protein (p.Met159Val). This variant is not present in population databases (gnomAD no frequency). This variant has not been reported in the literature in individuals affected with POT1-related conditions. ClinVar contains an entry for this variant (Variation ID: 486143). Invitae Evidence Modeling of protein sequence and biophysical properties (such as structural, functional, and spatial information, amino acid conservation, physicochemical variation, residue mobility, and thermodynamic stability) indicates that this missense variant is not expected to disrupt POT1 protein function with a negative predictive value of 80%. In summary, the available evidence is currently insufficient to determine the role of this variant in disease. Therefore, it has been classified as a Variant of Uncertain Significance.

Ambry Genetics
Classification: Uncertain significance for Hereditary cancer-predisposing syndrome. Last evaluated: 2025-05-05. Review status: criteria provided, single submitter. Criteria: Ambry Variant Classification Scheme 2023. Collection method: clinical testing. Allele origin: germline.
Comment: The p.M159V variant (also known as c.475A>G), located in coding exon 4 of the POT1 gene, results from an A to G substitution at nucleotide position 475. The methionine at codon 159 is replaced by valine, an amino acid with highly similar properties. This amino acid position is not well conserved in available vertebrate species. In addition, this alteration is predicted to be tolerated by in silico analysis. Since supporting evidence is limited at this time, the clinical significance of this alteration remains unclear.

GeneDx
Classification: Uncertain significance. Last evaluated: 2022-12-21. Review status: criteria provided, single submitter. Criteria: GeneDx Variant Classification Process June 2021. Collection method: clinical testing. Allele origin: germline. Affected: yes.
Comment: Not observed at significant frequency in large population cohorts (gnomAD); In silico analysis supports that this missense variant does not alter protein structure/function; Has not been previously published as a pathogenic or benign germline variant to our knowledge; This variant is associated with the following publications: (PMID: 34343137)